The following is an entry in ClinVar:

ClinVar aggregate classification (germline): Uncertain significance. Review status: criteria provided, multiple submitters, no conflicts (2 of 4 stars). 4 submissions from 4 submitters: Uncertain significance (4). Last evaluated 2025-05-13.

Conditions:
Hereditary cancer-predisposing syndrome. Also called: Tumor predisposition; Neoplastic Syndromes, Hereditary; Hereditary Cancer Syndrome; Hereditary neoplastic syndrome. Identifiers: Orphanet 140162, MedGen C0027672, MeSH D009386, MONDO:0015356.
Hyperparathyroidism 1 (HRPT1). Also called: HYPERPARATHYROIDISM, FAMILIAL ISOLATED PRIMARY. Identifiers: Orphanet 99879, MedGen C1840402, MONDO:0007767, OMIM 145000.
Parathyroid carcinoma (PRTC). Also called: CDC73-Related Parathyroid Carcinoma; Parathyroid gland carcinoma. Identifiers: Orphanet 143, MedGen C0687150, MONDO:0012004, OMIM 608266, HP:0006780.

Allele frequency attached by ClinVar (database versions not stated): gnomAD exomes below 0.00001 and 0.00001; gnomAD 0.00001; TOPMed 0.00001.

Submissions (4):

Labcorp Genetics (formerly Invitae), Labcorp
Classification: Uncertain significance for Parathyroid carcinoma. Last evaluated: 2025-05-13. Review status: criteria provided, single submitter. Criteria: Invitae Variant Classification Sherloc (09022015). Collection method: clinical testing. Allele origin: germline.
Comment: This sequence change replaces arginine, which is basic and polar, with cysteine, which is neutral and slightly polar, at codon 263 of the CDC73 protein (p.Arg263Cys). This variant is present in population databases (no rsID available, gnomAD 0.003%). This missense change has been observed in individual(s) with primary hyperparathyroidism (PMID: 28870973). ClinVar contains an entry for this variant (Variation ID: 241497). Invitae Evidence Modeling of protein sequence and biophysical properties (such as structural, functional, and spatial information, amino acid conservation, physicochemical variation, residue mobility, and thermodynamic stability) indicates that this missense variant is not expected to disrupt CDC73 protein function with a negative predictive value of 80%. In summary, the available evidence is currently insufficient to determine the role of this variant in disease. Therefore, it has been classified as a Variant of Uncertain Significance.

GeneDx
Classification: Uncertain significance. Last evaluated: 2024-06-18. Review status: criteria provided, single submitter. Criteria: GeneDx Variant Classification Process June 2021. Collection method: clinical testing. Allele origin: germline. Affected: yes.
Comment: Not observed at significant frequency in large population cohorts (gnomAD); In silico analysis supports that this missense variant has a deleterious effect on protein structure/function; This variant is associated with the following publications: (PMID: 15923622, 15632063, 38396977, 28870973)

Ambry Genetics
Classification: Uncertain significance for Hereditary cancer-predisposing syndrome. Last evaluated: 2024-02-02. Review status: criteria provided, single submitter. Criteria: Ambry Variant Classification Scheme 2023. Collection method: clinical testing. Allele origin: germline.
Comment: The p.R263C variant (also known as c.787C>T), located in coding exon 8 of the CDC73 gene, results from a C to T substitution at nucleotide position 787. The arginine at codon 263 is replaced by cysteine, an amino acid with highly dissimilar properties. This alteration was detected in an individual with primary hyperparathyroidism (Mamedova E et al. Endocr Connect, 2017 Nov;6:557-565). This amino acid position is well conserved in available vertebrate species. In addition, the in silico prediction for this alteration is inconclusive. Since supporting evidence is limited at this time, the clinical significance of this alteration remains unclear.

Baylor Genetics
Classification: Uncertain significance for Hyperparathyroidism 1. Last evaluated: 2023-05-12. Review status: criteria provided, single submitter. Criteria: ACMG Guidelines, 2015. Collection method: clinical testing. Allele origin: unknown.

Literature cited by the submitters: PubMed 28870973 (cited by Labcorp Genetics (formerly Invitae), Labcorp and Ambry Genetics).

NM_024529.5(CDC73):c.787C>T (p.Arg263Cys)

Gene: CDC73 (cell division cycle 73; plus strand). Cytogenetic location: 1q31.2.
Variant type: single nucleotide variant.
Coding change: c.787C>T on transcript NM_024529.5 (MANE Select); coding-DNA position 787, C replaced by T.
Protein change: p.Arg263Cys; replaces arginine 263 with cysteine.
Molecular consequence: missense variant.
Genome position (GRCh38, 1-based): chr1:193,147,924, C>T. VCF-style: chr1-193147924-C-T. GRCh37 (hg19) VCF-style: chr1-193117054-C-T.
Other names: short protein forms R263C.
Identifiers: ClinVar variation 241497 (VCV000241497.13), dbSNP rs878855091, ClinGen allele CA10581760.